The following is an entry in ClinVar:

ClinVar aggregate classification (germline): Conflicting classifications of pathogenicity. Review status: criteria provided, conflicting classifications (1 of 4 stars). 2 submissions from 2 submitters: Uncertain significance (1); Likely benign (1). Last evaluated 2025-02-13.

Conditions:
Inborn genetic diseases. Identifiers: MedGen C0950123, MeSH D030342.
Vici syndrome (VICIS). Identifiers: Orphanet 1493, MedGen C1855772, MONDO:0009452, OMIM 242840.

Allele frequency attached by ClinVar (database versions not stated): gnomAD exomes 0.00002 and 0.00003; ExAC 0.00003; ESP Exome Variant Server 0.00008; gnomAD 0.00009; TOPMed 0.00011.
gnomAD v4.1: 48 of 1,614,018 alleles (0.003%); highest among the groups gnomAD compares: African/African-American, 0.025%; no homozygotes.

Submissions (2):

Ambry Genetics
Classification: Likely benign for Inborn genetic diseases. Last evaluated: 2025-02-13. Review status: criteria provided, single submitter. Criteria: Ambry Variant Classification Scheme 2023. Collection method: clinical testing. Allele origin: germline.

Labcorp Genetics (formerly Invitae), Labcorp
Classification: Uncertain significance for Vici syndrome. Last evaluated: 2024-01-18. Review status: criteria provided, single submitter. Criteria: Invitae Variant Classification Sherloc (09022015). Collection method: clinical testing. Allele origin: germline.
Comment: This sequence change replaces alanine, which is neutral and non-polar, with threonine, which is neutral and polar, at codon 1533 of the EPG5 protein (p.Ala1533Thr). This variant is present in population databases (rs374899586, gnomAD 0.02%). This variant has not been reported in the literature in individuals affected with EPG5-related conditions. ClinVar contains an entry for this variant (Variation ID: 969764). Advanced modeling of protein sequence and biophysical properties (such as structural, functional, and spatial information, amino acid conservation, physicochemical variation, residue mobility, and thermodynamic stability) performed at Invitae indicates that this missense variant is not expected to disrupt EPG5 protein function with a negative predictive value of 80%. In summary, the available evidence is currently insufficient to determine the role of this variant in disease. Therefore, it has been classified as a Variant of Uncertain Significance.

NM_020964.3(EPG5):c.4597G>A (p.Ala1533Thr)

Gene: EPG5 (ectopic P-granules 5 autophagy tethering factor; minus strand). Cytogenetic location: 18q21.1.
Variant type: single nucleotide variant.
Coding change: c.4597G>A on transcript NM_020964.3 (MANE Select); coding-DNA position 4597, G replaced by A.
Protein change: p.Ala1533Thr; replaces alanine 1533 with threonine.
Molecular consequence: missense variant.
Genome position (GRCh38, 1-based): chr18:45,901,045, C>T on the plus strand (G>A on the coding strand, the complement: EPG5 is on the minus strand). VCF-style: chr18-45901045-C-T. GRCh37 (hg19) VCF-style: chr18-43481010-C-T.
Other names: short protein forms A1533T.
Identifiers: ClinVar variation 969764 (VCV000969764.9), dbSNP rs374899586, ClinGen allele CA8948808.